The following is an entry in ClinVar:

NM_007186.6(CEP250):c.2206C>T (p.Arg736Ter)

Genes: CEP250 (centrosomal protein 250; plus strand), CEP250-AS1 (CEP250 antisense RNA 1; minus strand). Cytogenetic location: 20q11.22.
Variant type: single nucleotide variant.
Coding change: c.2206C>T on transcript NM_007186.6 (MANE Select); coding-DNA position 2206, C replaced by T.
Protein change: p.Arg736Ter; replaces arginine 736 with a stop codon.
Molecular consequence: nonsense.
Genome position (GRCh38, 1-based): chr20:35,479,342, C>T. VCF-style: chr20-35479342-C-T. GRCh37 (hg19) VCF-style: chr20-34067167-C-T.
Other names: c.2206C>T (NM_007186.5); c.310C>T, p.Arg104Ter (NM_001318219.1); short protein forms R736*, R104*.
Identifiers: ClinVar variation 1925483 (VCV001925483.6), dbSNP rs1345217165, ClinGen allele CA408768914.

ClinVar aggregate classification (germline): Pathogenic. Review status: criteria provided, multiple submitters, no conflicts (2 of 4 stars). 2 submissions from 2 submitters: Pathogenic (2). Last evaluated 2022-11-12.

Conditions:
Cone-rod dystrophy and hearing loss 2 (CRDHL2). Identifiers: MedGen C5193051, MONDO:0020780, OMIM 618358.

Allele frequency attached by ClinVar (database versions not stated): gnomAD exomes below 0.00001; gnomAD 0.00001.

Submissions (2):

Labcorp Genetics (formerly Invitae), Labcorp
Classification: Pathogenic. Last evaluated: 2022-11-12. Review status: criteria provided, single submitter. Criteria: Invitae Variant Classification Sherloc (09022015). Collection method: clinical testing. Allele origin: germline.
Comment: This sequence change creates a premature translational stop signal (p.Arg736*) in the CEP250 gene. It is expected to result in an absent or disrupted protein product. Loss-of-function variants in CEP250 are known to be pathogenic (PMID: 24780881, 29718797). This variant is not present in population databases (gnomAD no frequency). This variant has not been reported in the literature in individuals affected with CEP250-related conditions. For these reasons, this variant has been classified as Pathogenic.

Laboratoire de Génétique Moléculaire, CHU Bordeaux
Classification: Pathogenic for Cone-rod dystrophy and hearing loss 2. Review status: criteria provided, single submitter. Criteria: ACMG Guidelines, 2015. Collection method: clinical testing. Allele origin: germline. Affected: yes.

Literature cited by the submitters: PubMed 24780881 (cited by Labcorp Genetics (formerly Invitae), Labcorp); PubMed 29718797 (cited by Labcorp Genetics (formerly Invitae), Labcorp).